The following is an entry in ClinVar:

NM_001276345.2(TNNT2):c.480C>A (p.Asn160Lys)

Gene: TNNT2 (troponin T2, cardiac type; minus strand). Cytogenetic location: 1q32.1.
Variant type: single nucleotide variant.
Coding change: c.480C>A on transcript NM_001276345.2 (MANE Select); coding-DNA position 480, C replaced by A.
Protein change: p.Asn160Lys; replaces asparagine 160 with lysine.
Molecular consequence: missense variant.
Genome position (GRCh38, 1-based): chr1:201,364,307, G>T on the plus strand (C>A on the coding strand, the complement: TNNT2 is on the minus strand). VCF-style: chr1-201364307-G-T. GRCh37 (hg19) VCF-style: chr1-201333435-G-T.
Other names: c.480C>A, p.Asn160Lys (NM_000364.4); c.450C>A, p.Asn150Lys (NM_001001430.3, NM_001001431.3, NM_001276347.2); c.435C>A, p.Asn145Lys (NM_001001432.3); c.360C>A, p.Asn120Lys (NM_001276346.2); short protein forms N150K, N160K, N120K, N145K.
Identifiers: ClinVar variation 192311 (VCV000192311.4), dbSNP rs786205908, ClinGen allele CA004584.

ClinVar aggregate classification (germline): Uncertain significance. Review status: criteria provided, multiple submitters, no conflicts (2 of 4 stars). 2 submissions from 2 submitters: Uncertain significance (2). Last evaluated 2024-10-06.

Conditions:
Dilated cardiomyopathy 1D. Identifiers: Orphanet 154, Orphanet 54260, MedGen C1832243, MONDO:0011095, OMIM 601494.
Hypertrophic cardiomyopathy 2. Also called: TNNT2-Related Familial Hypertrophic Cardiomyopathy. Identifiers: MedGen C1861864, MONDO:0007266, OMIM 115195.
Cardiomyopathy, familial restrictive, 3. Identifiers: Orphanet 75249, MedGen C2676271, MONDO:0012900, OMIM 612422.
Hypertrophic cardiomyopathy 1 (CMH1). Also called: MYH7-Related Familial Hypertrophic Cardiomyopathy; Familial hypertrophic cardiomyopathy 1. Identifiers: MedGen C3495498, MONDO:0008647, OMIM 192600.

Submissions (2):

Labcorp Genetics (formerly Invitae), Labcorp
Classification: Uncertain significance for Cardiomyopathy, familial restrictive, 3; Hypertrophic cardiomyopathy 2; Dilated cardiomyopathy 1D. Last evaluated: 2024-10-06. Review status: criteria provided, single submitter. Criteria: Invitae Variant Classification Sherloc (09022015). Collection method: clinical testing. Allele origin: germline.
Comment: This sequence change replaces asparagine, which is neutral and polar, with lysine, which is basic and polar, at codon 150 of the TNNT2 protein (p.Asn150Lys). This variant is not present in population databases (gnomAD no frequency). This missense change has been observed in individual(s) with hypertrophic cardiomyopathy (PMID: 28790153). ClinVar contains an entry for this variant (Variation ID: 192311). Invitae Evidence Modeling of protein sequence and biophysical properties (such as structural, functional, and spatial information, amino acid conservation, physicochemical variation, residue mobility, and thermodynamic stability) indicates that this missense variant is not expected to disrupt TNNT2 protein function with a negative predictive value of 80%. In summary, the available evidence is currently insufficient to determine the role of this variant in disease. Therefore, it has been classified as a Variant of Uncertain Significance.

Agnes Ginges Centre for Molecular Cardiology, Centenary Institute
Classification: Uncertain significance for Familial hypertrophic cardiomyopathy 1. Last evaluated: 2014-12-17. Review status: criteria provided, single submitter. Criteria: Agnes Ginges Centre for Molecular Cardiology criteria (2015). Collection method: research. Allele origin: germline. Inheritance: Autosomal dominant inheritance. Affected: yes.
Comment: This TNNT2 Asn150Lys variant has not yet been observed. This variant is absent in general population databases including the 1000 genomes project, and the Exome Aggregation Consortium dataset. Although the variant is extremely rare, multiple lines of computational tools predict that TNNT2 Asn150Lys is tolerated (SIFT "Tolerated"; PolyPhen-HCM "Benign"; MutationTaster "Polymorphism"). Based on this one observation of TNNT2 Asn150Lys in our patient where no other disease-causing variant has been identified, we cannot completely exclude its role in disease pathogenesis. Therefore, we classify this variant as one of "uncertain significance".

Literature cited by the submitters: PubMed 28790153 (cited by Labcorp Genetics (formerly Invitae), Labcorp).